The following is an entry in ClinVar:

ClinVar aggregate classification (germline): Uncertain significance (1 of 4 stars; one submission).

Conditions:
Cardiovascular phenotype. Identifiers: MedGen CN230736.

Submission:

Ambry Genetics
Classification: Uncertain significance for Cardiovascular phenotype. Last evaluated: 2025-02-01. Review status: criteria provided, single submitter. Criteria: Ambry Variant Classification Scheme 2023. Collection method: clinical testing. Allele origin: germline.
Comment: The p.Y397F variant (also known as c.1190A>T), located in coding exon 11 of the PRKAG2 gene, results from an A to T substitution at nucleotide position 1190. The tyrosine at codon 397 is replaced by phenylalanine, an amino acid with highly similar properties. This amino acid position is conserved. In addition, this alteration is predicted to be deleterious by in silico analysis. Based on the available evidence, the clinical significance of this variant remains unclear.

NM_016203.4(PRKAG2):c.1190A>T (p.Tyr397Phe)

Gene: PRKAG2 (protein kinase AMP-activated non-catalytic subunit gamma 2; minus strand). Cytogenetic location: 7q36.1.
Variant type: single nucleotide variant.
Coding change: c.1190A>T on transcript NM_016203.4 (MANE Select); coding-DNA position 1190, A replaced by T.
Protein change: p.Tyr397Phe; replaces tyrosine 397 with phenylalanine.
Molecular consequence: missense variant.
Genome position (GRCh38, 1-based): chr7:151,568,759, T>A on the plus strand (A>T on the coding strand, the complement: PRKAG2 is on the minus strand). VCF-style: chr7-151568759-T-A. GRCh37 (hg19) VCF-style: chr7-151265845-T-A.
Other names: c.1058A>T, p.Tyr353Phe (NM_001040633.2, NM_001407024.1); c.815A>T, p.Tyr272Phe (NM_001304527.2, NM_001407029.1); c.467A>T, p.Tyr156Phe (NM_001304531.2, NM_001407034.1, NM_001407035.1 and 1 more transcripts); c.818A>T, p.Tyr273Phe (NM_001363698.2, NM_001407028.1); c.1190A>T, p.Tyr397Phe (NM_001407021.1); c.1187A>T, p.Tyr396Phe (NM_001407022.1, NM_001407023.1); c.1055A>T, p.Tyr352Phe (NM_001407026.1, NM_001407027.1); c.902A>T, p.Tyr301Phe (NM_001407030.1); and 6 more; short protein forms Y291F, Y300F, Y397F, Y156F, Y289F, Y396F, Y155F, Y272F.
Identifiers: ClinVar variation 3783292 (VCV003783292.1).
Genomic context (GRCh38, chr7:151,568,759, plus strand): 5'-CGCTAAAAACTACTTACAAAAAGCTGGAGGAACTTGAGGATTCTTTTGTGGGTAAGTATA[T>A]AAAGTGCATTCCCACTGATAGGGTCAATAACGGGCAATCTGTGGATTTTATTTTTGATCA-3'
Protein context (NP_057287.2, residues 387-407): VIDPISGNAL[Tyr397Phe]ILTHKRILKF